The following is an entry in ClinVar:

ClinVar aggregate classification (germline): Uncertain significance (1 of 4 stars; one submission).

Allele frequency attached by ClinVar (database versions not stated): TOPMed 0.00001; gnomAD exomes 0.00001.
gnomAD v4.1: 8 of 1,614,104 alleles (0.0005%); highest among the groups gnomAD compares: Non-Finnish European, 0.00068%; no homozygotes.

Submission:

Labcorp Genetics (formerly Invitae), Labcorp
Classification: Uncertain significance. Last evaluated: 2024-09-23. Review status: criteria provided, single submitter. Criteria: Invitae Variant Classification Sherloc (09022015). Collection method: clinical testing. Allele origin: germline.
Comment: This sequence change creates a premature translational stop signal (p.Tyr47*) in the A2ML1 gene. It is expected to result in an absent or disrupted protein product. However, the current clinical and genetic evidence is not sufficient to establish whether loss-of-function variants in A2ML1 cause disease. This variant is not present in population databases (gnomAD no frequency). This variant has not been reported in the literature in individuals affected with A2ML1-related conditions. ClinVar contains an entry for this variant (Variation ID: 847138). Algorithms developed to predict the effect of sequence changes on RNA splicing suggest that this variant may disrupt the consensus splice site. In summary, the available evidence is currently insufficient to determine the role of this variant in disease. Therefore, it has been classified as a Variant of Uncertain Significance.

NM_144670.6(A2ML1):c.141C>G (p.Tyr47Ter)

Genes: A2ML1-AS1 (A2ML1 antisense RNA 1; minus strand), A2ML1 (alpha-2-macroglobulin like 1; plus strand). Cytogenetic location: 12p13.31.
Variant type: single nucleotide variant.
Coding change: c.141C>G on transcript NM_144670.6 (MANE Select); coding-DNA position 141, C replaced by G.
Protein change: p.Tyr47Ter; replaces tyrosine 47 with a stop codon.
Molecular consequence: nonsense.
Genome position (GRCh38, 1-based): chr12:8,823,260, C>G. VCF-style: chr12-8823260-C-G. GRCh37 (hg19) VCF-style: chr12-8975856-C-G.
Other names: short protein forms Y47*.
Identifiers: ClinVar variation 847138 (VCV000847138.7), dbSNP rs778669722, ClinGen allele CA232652516.
Genomic context (GRCh38, chr12:8,823,260, plus strand): 5'-ACCAGCCCGGCTAAATTTCCCCTCCGTTCAGAAGGTTTGTTTGGACCTGAGCCCTGGGTA[C>G]AGTGATGTTAAATTCACGGTTACTCTGGAGACCAAGGACAAGACCCAGAAGTTGCTAGAA-3'